The following is an entry in ClinVar:

NM_006087.4(TUBB4A):c.238C>T (p.Pro80Ser)

Gene: TUBB4A (tubulin beta 4A class IVa; minus strand). Cytogenetic location: 19p13.3.
Variant type: single nucleotide variant.
Coding change: c.238C>T on transcript NM_006087.4 (MANE Select); coding-DNA position 238, C replaced by T.
Protein change: p.Pro80Ser; replaces proline 80 with serine.
Molecular consequence: missense variant.
Genome position (GRCh38, 1-based): chr19:6,501,326, G>A on the plus strand (C>T on the coding strand, the complement: TUBB4A is on the minus strand). VCF-style: chr19-6501326-G-A. GRCh37 (hg19) VCF-style: chr19-6501337-G-A.
Other names: c.391C>T, p.Pro131Ser (NM_001289123.2); c.373C>T, p.Pro125Ser (NM_001289127.2); c.238C>T, p.Pro80Ser (NM_001289129.2); c.22C>T, p.Pro8Ser (NM_001289130.2, NM_001289131.2); c.[238C>T] (NM_006087.4); short protein forms P125S, P131S, P80S, P8S.
Identifiers: ClinVar variation 692150 (VCV000692150.5), dbSNP rs1599414391, ClinGen allele CA403593820.

ClinVar aggregate classification (germline): Uncertain significance. Review status: criteria provided, single submitter (1 of 4 stars). 2 submissions from 2 submitters: Uncertain significance (1). 1 of the submissions does not count toward it. Last evaluated 2024-08-18.

Conditions:
Leukodystrophy, hypomyelinating, 6. Also called: TUBB4A-Associated Leukodystrophy; Hypomyelination with Atrophy of Basal Ganglia and Cerebellum (H-ABC); LEUKODYSTROPHY, HYPOMYELINATING, WITH ATROPHY OF THE BASAL GANGLIA AND CEREBELLUM. Identifiers: Orphanet 139441, MedGen C2676244, MONDO:0012905, OMIM 612438.
Torsion dystonia 4. Also called: DYT-TUBB4A (Autosomal Dominant Torsion Dystonia); DYSTONIA MUSCULORUM DEFORMANS 4. Identifiers: Orphanet 98805, MedGen C1851943, MONDO:0007493, OMIM 128101.

Allele frequency attached by ClinVar (database versions not stated): gnomAD exomes below 0.00001.
gnomAD v4.1: 1 of 1,614,114 alleles (0.000062%); highest among the groups gnomAD compares: Non-Finnish European, 0.000085%; no homozygotes.

Submissions (2):

Labcorp Genetics (formerly Invitae), Labcorp
Classification: Uncertain significance for Leukodystrophy, hypomyelinating, 6. Last evaluated: 2024-08-18. Review status: criteria provided, single submitter. Criteria: Invitae Variant Classification Sherloc (09022015). Collection method: clinical testing. Allele origin: germline.
Comment: This sequence change replaces proline, which is neutral and non-polar, with serine, which is neutral and polar, at codon 80 of the TUBB4A protein (p.Pro80Ser). This variant is not present in population databases (gnomAD no frequency). This variant has not been reported in the literature in individuals affected with TUBB4A-related conditions. ClinVar contains an entry for this variant (Variation ID: 692150). Invitae Evidence Modeling of protein sequence and biophysical properties (such as structural, functional, and spatial information, amino acid conservation, physicochemical variation, residue mobility, and thermodynamic stability) indicates that this missense variant is not expected to disrupt TUBB4A protein function with a negative predictive value of 80%. In summary, the available evidence is currently insufficient to determine the role of this variant in disease. Therefore, it has been classified as a Variant of Uncertain Significance.

Istituto Neurologico Mediterraneo, Istituto di Ricovero e Cura a Carattere Scientifico
Classification: Benign for Torsion dystonia 4. Last evaluated: 2019-10-14. Review status: no assertion criteria provided. Collection method: clinical testing. Allele origin: maternal. Inheritance: Autosomal dominant inheritance. Affected: yes. Not counted in ClinVar's aggregate classification.